The following is an entry in ClinVar:

NM_199420.4(POLQ):c.4916G>C (p.Ser1639Thr)

Gene: POLQ (DNA polymerase theta; minus strand). Cytogenetic location: 3q13.33.
Variant type: single nucleotide variant.
Coding change: c.4916G>C on transcript NM_199420.4 (MANE Select); coding-DNA position 4916, G replaced by C.
Protein change: p.Ser1639Thr; replaces serine 1639 with threonine.
Molecular consequence: missense variant.
Genome position (GRCh38, 1-based): chr3:121,488,015, C>G on the plus strand (G>C on the coding strand, the complement: POLQ is on the minus strand). VCF-style: chr3-121488015-C-G. GRCh37 (hg19) VCF-style: chr3-121206862-C-G.
Other names: short protein forms S1639T.
Identifiers: ClinVar variation 1744079 (VCV001744079.3), dbSNP rs535718432, ClinGen allele CA2562823.

ClinVar aggregate classification (germline): Uncertain significance (1 of 4 stars; one submission).

Allele frequency attached by ClinVar (database versions not stated): TOPMed below 0.00001; ExAC 0.00001; gnomAD 0.00001; 1000 Genomes Project 30x 0.00016; 1000 Genomes Project 0.00020.
gnomAD v4.1: 1 of 1,613,710 alleles (0.000062%); highest among the groups gnomAD compares: South Asian, 0.0011%; no homozygotes.

Submission:

Ambry Genetics
Classification: Uncertain significance. Last evaluated: 2024-08-21. Review status: criteria provided, single submitter. Criteria: Ambry Variant Classification Scheme 2023. Collection method: clinical testing. Allele origin: germline.
Comment: The p.S1639T variant (also known as c.4916G>C), located in coding exon 16 of the POLQ gene, results from a G to C substitution at nucleotide position 4916. The serine at codon 1639 is replaced by threonine, an amino acid with similar properties. This amino acid position is conserved. In addition, this alteration is predicted to be tolerated by in silico analysis. Since supporting evidence is limited at this time, the clinical significance of this alteration remains unclear.